The following is an entry in ClinVar:

ClinVar aggregate classification (germline): Pathogenic (1 of 4 stars; one submission).

Conditions:
Hereditary angioedema type 1 (HAE1). Identifiers: Orphanet 100050, Orphanet 100051, Orphanet 91378, MedGen C2717906, MONDO:0015053, OMIM 106100.

gnomAD v4.1: 1 of 1,614,122 alleles (0.000062%); highest among the groups gnomAD compares: Non-Finnish European, 0.000085%; no homozygotes.

Submission:

DNA-diagnostics Laboratory, Research Centre For Medical Genetics
Classification: Pathogenic for Hereditary angioedema type 1. Last evaluated: 2024-08-11. Review status: criteria provided, single submitter. Criteria: ACMG Guidelines, 2015. Collection method: research. Allele origin: germline. Inheritance: Autosomal dominant inheritance. Affected: yes. Observed: 1 heterozygote.
Comment: The pathogenic or likely pathogenic SERPING1 gene variants are detected in >90% of the HAE1/2 families and in >80% of the total HAE families (e.g., DOI: 10.1016/j.molimm.2008.05.007, 10.1159/2F000138883, 10.1016/j.molimm.2011.07.010). The same variant has previously been reported in 1 HAE1 family case (PMID: 8755917). Additionally, in vitro functional studies indicated that the 707T>C variant affects secretion of normal C1INH protein in a dominant-negative fashion by triggering formation of protein-protein interactions between normal and mutant C1INH, leading to the creation of larger intracellular C1INH aggregates that were trapped in the endoplasmic reticulum (DOI: 10.1172/JCI98869). In summary, the c.707T>C variant in SERPING1 meets ACMG/ClinGen SVI guidance criteria to be classified as pathogenic: PS3_VS, PP4_Str, PS4_Mod, PP3_Mod, PM2_Sup, PP2

Literature cited by the submitters: PubMed 8755917; DOI 10.1172/JCI98869.

NM_000062.3(SERPING1):c.707T>C (p.Phe236Ser)

Gene: SERPING1 (serpin family G member 1; plus strand). Cytogenetic location: 11q12.1.
Variant type: single nucleotide variant.
Coding change: c.707T>C on transcript NM_000062.3 (MANE Select); coding-DNA position 707, T replaced by C.
Protein change: p.Phe236Ser; replaces phenylalanine 236 with serine.
Molecular consequence: missense variant.
Genome position (GRCh38, 1-based): chr11:57,606,031, T>C. VCF-style: chr11-57606031-T-C. GRCh37 (hg19) VCF-style: chr11-57373504-T-C.
Other names: c.707T>C, p.Phe236Ser (NM_001032295.2); short protein forms F236S.
Identifiers: ClinVar variation 3336803 (VCV003336803.2).